The following is an entry in ClinVar:

ClinVar aggregate classification (germline): Uncertain significance (1 of 4 stars; one submission).

Conditions:
Inborn genetic diseases. Identifiers: MedGen C0950123, MeSH D030342.

gnomAD v4.1: 1 of 1,614,140 alleles (0.000062%); highest among the groups gnomAD compares: South Asian, 0.0011%; no homozygotes.

Submission:

Ambry Genetics
Classification: Uncertain significance for Inborn genetic diseases. Last evaluated: 2026-03-30. Review status: criteria provided, single submitter. Criteria: Ambry Variant Classification Scheme 2023. Collection method: clinical testing. Allele origin: germline.
Comment: The p.K618N variant (also known as c.1854G>C), located in coding exon 14 of the FANCG gene, results from a G to C substitution at nucleotide position 1854. The lysine at codon 618 is replaced by asparagine, an amino acid with similar properties. This amino acid position is conserved. In addition, this alteration is predicted to be tolerated by in silico analysis. Based on the available evidence, the clinical significance of this variant remains unclear.

NM_004629.2(FANCG):c.1854G>C (p.Lys618Asn)

Gene: FANCG (FA complementation group G; minus strand). Cytogenetic location: 9p13.3.
Variant type: single nucleotide variant.
Coding change: c.1854G>C on transcript NM_004629.2 (MANE Select); coding-DNA position 1854, G replaced by C.
Protein change: p.Lys618Asn; replaces lysine 618 with asparagine.
Molecular consequence: missense variant.
Genome position (GRCh38, 1-based): chr9:35,074,123, C>G on the plus strand (G>C on the coding strand, the complement: FANCG is on the minus strand). VCF-style: chr9-35074123-C-G. GRCh37 (hg19) VCF-style: chr9-35074120-C-G.
Other names: short protein forms K618N.
Identifiers: ClinVar variation 4870982 (VCV004870982.1).